The following is an entry in ClinVar:

ClinVar aggregate classification (germline): Pathogenic (1 of 4 stars; one submission).

Conditions:
Premature ovarian failure 3 (POF3). Identifiers: MedGen C1837008, MONDO:0012169, OMIM 608996.

Submission:

MGZ Medical Genetics Center
Classification: Pathogenic for Premature ovarian failure 3. Last evaluated: 2021-09-03. Review status: criteria provided, single submitter. Criteria: ACMG Guidelines, 2015. Collection method: clinical testing. Allele origin: germline. Affected: yes. Observed: 1 variant allele.
Comment: ACMG criteria applied: PVS1, PM2_SUP, PP3, PP4

NM_023067.4(FOXL2):c.871del (p.His291fs)

Gene: FOXL2 (forkhead box L2; minus strand). Cytogenetic location: 3q22.3.
Variant type: Deletion.
Coding change: c.871del on transcript NM_023067.4 (MANE Select); coding-DNA position 871, one base deleted (C; older notation c.871delC).
Protein change: p.His291fs; shifts the reading frame from histidine 291.
Molecular consequence: frameshift variant.
Genome position (GRCh38, 1-based): chr3:138,945,852, G deleted on the plus strand (C on the coding strand, the reverse complement: FOXL2 is on the minus strand); the first of 5 consecutive G bases (chr3:138,945,852-138,945,856); deleting any one gives the same sequence. VCF-style (leftmost placement, unchanged base first): chr3-138945851-TG-T. GRCh37 (hg19) VCF-style: chr3-138664693-TG-T.
Other names: short protein forms H291fs.
Identifiers: ClinVar variation 1709921 (VCV001709921.2), dbSNP rs2107743381, ClinGen allele CA2577918191.
Genomic context (GRCh38, chr3:138,945,851, plus strand): 5'-TGCGGTGGGGCAGGCGGCGGTGCGGCGGCCGCGTGCAGATGGTGTGCGTGCGGATGCGGG[TG>T]GGGGTGCGGCGGAGGCGGGGGTGCGGCCGGCGGGCCTCCCAGGCCATTGTACGAGTTCAC-3'